The following is an entry in ClinVar:

ClinVar aggregate classification (germline): Uncertain significance. Review status: criteria provided, multiple submitters, no conflicts (2 of 4 stars). 8 submissions from 8 submitters: Uncertain significance (8). Last evaluated 2024-04-11.

Conditions:
Fanconi anemia complementation group P. Also called: SLX4-Related Fanconi Anemia. Identifiers: Orphanet 84, MedGen C3469542, MONDO:0013499, OMIM 613951.
Fanconi anemia (FA). Also called: Fanconi's anemia. Identifiers: Orphanet 84, MedGen C0015625, MeSH D005199, MONDO:0019391.
Fanconi anemia complementation group A (FANCA). Also called: FANCA-Related Fanconi Anemia; Fanconi anemia, group A. Identifiers: Orphanet 84, MedGen C3469521, MONDO:0009215, OMIM 227650.

Allele frequency attached by ClinVar (database versions not stated): gnomAD 0.00003 and 0.00005; ExAC 0.00008; gnomAD exomes 0.00008 and 0.00019; TOPMed 0.00013; 1000 Genomes Project 0.00040; 1000 Genomes Project 30x 0.00047.
gnomAD v4.1: 289 of 1,614,084 alleles (0.018%); highest among the groups gnomAD compares: Non-Finnish European, 0.023%; no homozygotes.

Submissions (8):

GeneDx
Classification: Uncertain significance. Last evaluated: 2024-04-11. Review status: criteria provided, single submitter. Criteria: GeneDx Variant Classification Process June 2021. Collection method: clinical testing. Allele origin: germline. Affected: yes.
Comment: In silico analysis indicates that this missense variant does not alter protein structure/function; Has not been previously published as pathogenic or benign to our knowledge

Labcorp Genetics (formerly Invitae), Labcorp
Classification: Uncertain significance for Fanconi anemia. Last evaluated: 2024-01-18. Review status: criteria provided, single submitter. Criteria: Invitae Variant Classification Sherloc (09022015). Collection method: clinical testing. Allele origin: germline.
Comment: This sequence change replaces alanine, which is neutral and non-polar, with valine, which is neutral and non-polar, at codon 516 of the SLX4 protein (p.Ala516Val). This variant is present in population databases (rs199683722, gnomAD 0.02%). This variant has not been reported in the literature in individuals affected with SLX4-related conditions. ClinVar contains an entry for this variant (Variation ID: 319175). An algorithm developed to predict the effect of missense changes on protein structure and function (PolyPhen-2) suggests that this variant is likely to be disruptive. In summary, the available evidence is currently insufficient to determine the role of this variant in disease. Therefore, it has been classified as a Variant of Uncertain Significance.

Institute for Clinical Genetics, University Hospital TU Dresden, University Hospital TU Dresden
Classification: Uncertain significance. Last evaluated: 2021-11-03. Review status: criteria provided, single submitter. Criteria: ACMG Guidelines, 2015. Collection method: clinical testing. Allele origin: germline.

Fulgent Genetics
Classification: Uncertain significance for Fanconi anemia complementation group P. Last evaluated: 2021-07-08. Review status: criteria provided, single submitter. Criteria: ACMG Guidelines, 2015. Collection method: clinical testing. Allele origin: unknown.

Genetic Services Laboratory, University of Chicago
Classification: Uncertain significance. Last evaluated: 2021-02-26. Review status: criteria provided, single submitter. Criteria: ACMG Guidelines, 2015. Collection method: clinical testing. Allele origin: germline. Affected: no.

Baylor Genetics
Classification: Uncertain significance for Fanconi anemia complementation group P. Last evaluated: 2020-12-01. Review status: criteria provided, single submitter. Criteria: ACMG Guidelines, 2015. Collection method: clinical testing. Allele origin: maternal. Affected: yes. Study: CSER-TexasKidsCanSeq.
Comment: This variant was determined to be of uncertain significance according to ACMG Guidelines, 2015 [PMID:25741868].

Mendelics
Classification: Uncertain significance for Fanconi anemia complementation group A. Last evaluated: 2019-05-28. Review status: criteria provided, single submitter. Criteria: Mendelics Assertion Criteria 2017. Collection method: clinical testing. Allele origin: unknown.

Illumina Laboratory Services, Illumina
Classification: Uncertain significance for Fanconi anemia complementation group P. Last evaluated: 2018-01-13. Review status: criteria provided, single submitter. Criteria: ICSL Variant Classification Criteria 13 December 2019. Collection method: clinical testing. Allele origin: germline.

NM_032444.4(SLX4):c.1547C>T (p.Ala516Val)

Gene: SLX4 (SLX4 structure-specific endonuclease subunit; minus strand). Cytogenetic location: 16p13.3.
Variant type: single nucleotide variant.
Coding change: c.1547C>T on transcript NM_032444.4 (MANE Select); coding-DNA position 1547, C replaced by T.
Protein change: p.Ala516Val; replaces alanine 516 with valine.
Molecular consequence: missense variant.
Genome position (GRCh38, 1-based): chr16:3,597,515, G>A on the plus strand (C>T on the coding strand, the complement: SLX4 is on the minus strand). VCF-style: chr16-3597515-G-A. GRCh37 (hg19) VCF-style: chr16-3647516-G-A.
Other names: c.1547C>T (LRG_503t1); short protein forms A516V.
Identifiers: ClinVar variation 319175 (VCV000319175.23), dbSNP rs199683722, ClinGen allele CA7866494.
Genomic context (GRCh38, chr16:3,597,515, plus strand): 5'-AGTGCGCTGCCCTCCCACAGAAAGCTCTGCTTGCGTTCAGGTGGAGGAGGACACTGGCCC[G>A]CTCTTTCCCACCCTTCCTTTAAAATCCTGCTGGCAGGAAGTGGTGGCGTGCTAGACAATT-3'
Protein context (NP_115820.2, residues 506-526): SRILKEGWER[Ala516Val]GQCPPPPERK